The following is an entry in ClinVar:

NM_002979.5(SCP2):c.1235+6T>C

Gene: SCP2 (sterol carrier protein 2; plus strand). Cytogenetic location: 1p32.3.
Variant type: single nucleotide variant.
Coding change: c.1235+6T>C on transcript NM_002979.5 (MANE Select); 6 bases into the intron after coding-DNA position 1235, T replaced by C.
Molecular consequence: intron variant.
Genome position (GRCh38, 1-based): chr1:53,015,049, T>C. VCF-style: chr1-53015049-T-C. GRCh37 (hg19) VCF-style: chr1-53480721-T-C.
Other names: c.1103+6T>C (NM_001193600.2); c.1163+6T>C (NM_001193599.2); c.992+6T>C (NM_001193617.2); c.23+6T>C (NM_001007099.3, NM_001007250.3, NM_001007100.3).
Identifiers: ClinVar variation 1439102 (VCV001439102.6), dbSNP rs781512454, ClinGen allele CA857358.

ClinVar aggregate classification (germline): Uncertain significance (1 of 4 stars; one submission).

Allele frequency attached by ClinVar (database versions not stated): gnomAD exomes below 0.00001; ExAC 0.00001; gnomAD 0.00001.
gnomAD v4.1: 6 of 1,613,702 alleles (0.00037%); highest among the groups gnomAD compares: Non-Finnish European, 0.00051%; no homozygotes.

Submission:

Labcorp Genetics (formerly Invitae), Labcorp
Classification: Uncertain significance. Last evaluated: 2022-08-23. Review status: criteria provided, single submitter. Criteria: Invitae Variant Classification Sherloc (09022015). Collection method: clinical testing. Allele origin: germline.
Comment: Variants that disrupt the consensus splice site are a relatively common cause of aberrant splicing (PMID: 17576681, 9536098). Algorithms developed to predict the effect of sequence changes on RNA splicing suggest that this variant is not likely to affect RNA splicing. This sequence change falls in intron 12 of the SCP2 gene. It does not directly change the encoded amino acid sequence of the SCP2 protein. It affects a nucleotide within the consensus splice site. This variant is present in population databases (rs781512454, gnomAD 0.0009%). This variant has not been reported in the literature in individuals affected with SCP2-related conditions. ClinVar contains an entry for this variant (Variation ID: 1439102). In summary, the available evidence is currently insufficient to determine the role of this variant in disease. Therefore, it has been classified as a Variant of Uncertain Significance.

Literature cited by the submitters: PubMed 17576681; PubMed 9536098.